The following is an entry in ClinVar:

NM_206933.4(USH2A):c.8283G>C (p.Met2761Ile)

Gene: USH2A (usherin; minus strand). Cytogenetic location: 1q41.
Variant type: single nucleotide variant.
Coding change: c.8283G>C on transcript NM_206933.4 (MANE Select); coding-DNA position 8283, G replaced by C.
Protein change: p.Met2761Ile; replaces methionine 2761 with isoleucine.
Molecular consequence: missense variant.
Genome position (GRCh38, 1-based): chr1:215,879,039, C>G on the plus strand (G>C on the coding strand, the complement: USH2A is on the minus strand). VCF-style: chr1-215879039-C-G. GRCh37 (hg19) VCF-style: chr1-216052381-C-G.
Other names: short protein forms M2761I.
Identifiers: ClinVar variation 1302510 (VCV001302510.2), dbSNP rs774015174, ClinGen allele CA344832495.

ClinVar aggregate classification (germline): Uncertain significance (1 of 4 stars; one submission).

Allele frequency attached by ClinVar (database versions not stated): TOPMed below 0.00001.
gnomAD v4.1: 1 of 1,614,018 alleles (0.000062%); no homozygotes.

Submission:

GeneDx
Classification: Uncertain significance. Last evaluated: 2019-05-18. Review status: criteria provided, single submitter. Criteria: GeneDx Variant Classification Process June 2021. Collection method: clinical testing. Allele origin: germline. Affected: yes.
Comment: Not observed in large population cohorts (Lek et al., 2016); In silico analysis, which includes protein predictors and evolutionary conservation, supports that this variant does not alter protein structure/function; Has not been previously published as pathogenic or benign to our knowledge